The following is an entry in ClinVar:

NM_015409.5(EP400):c.1847C>T (p.Ser616Leu)

Gene: EP400 (E1A binding protein p400; plus strand). Cytogenetic location: 12q24.33.
Variant type: single nucleotide variant.
Coding change: c.1847C>T on transcript NM_015409.5 (MANE Select); coding-DNA position 1847, C replaced by T.
Protein change: p.Ser616Leu; replaces serine 616 with leucine.
Molecular consequence: missense variant.
Genome position (GRCh38, 1-based): chr12:131,982,396, C>T. VCF-style: chr12-131982396-C-T. GRCh37 (hg19) VCF-style: chr12-132466941-C-T.
Other names: short protein forms S616L.
Identifiers: ClinVar variation 3275615 (VCV003275615.2).

ClinVar aggregate classification (germline): Uncertain significance. Review status: criteria provided, single submitter (1 of 4 stars). 2 submissions from 2 submitters: Uncertain significance (1). 1 of the submissions does not count toward it. Last evaluated 2024-03-25.

Conditions:
EP400-related disorder. Also called: EP400-related condition.

gnomAD v4.1: 9 of 1,614,030 alleles (0.00056%); highest among the groups gnomAD compares: Admixed American, 0.005%; no homozygotes.

Submissions (2):

Ambry Genetics
Classification: Uncertain significance. Last evaluated: 2024-03-25. Review status: criteria provided, single submitter. Criteria: Ambry Variant Classification Scheme 2023. Collection method: clinical testing. Allele origin: germline.

PreventionGenetics, part of Exact Sciences
Classification: Uncertain significance for EP400-related condition. Last evaluated: 2024-03-14. Review status: no assertion criteria provided. Collection method: clinical testing. Allele origin: germline. Not counted in ClinVar's aggregate classification.
Comment: The EP400 c.1847C>T variant is predicted to result in the amino acid substitution p.Ser616Leu. To our knowledge, this variant has not been reported in the literature. This variant is reported in 0.0029% of alleles in individuals of Latino descent in gnomAD. At this time, the clinical significance of this variant is uncertain due to the absence of conclusive functional and genetic evidence.